The following is an entry in ClinVar:

NM_000238.4(KCNH2):c.2377G>A (p.Asp793Asn)

Gene: KCNH2 (potassium voltage-gated channel subfamily H member 2; minus strand). Cytogenetic location: 7q36.1.
Variant type: single nucleotide variant.
Coding change: c.2377G>A on transcript NM_000238.4 (MANE Select); coding-DNA position 2377, G replaced by A.
Protein change: p.Asp793Asn; replaces aspartic acid 793 with asparagine.
Molecular consequence: missense variant.
Genome position (GRCh38, 1-based): chr7:150,950,189, C>T on the plus strand (G>A on the coding strand, the complement: KCNH2 is on the minus strand). VCF-style: chr7-150950189-C-T. GRCh37 (hg19) VCF-style: chr7-150647277-C-T.
Other names: c.1357G>A, p.Asp453Asn (NM_001204798.2, NM_172057.3); c.2089G>A, p.Asp697Asn (NM_001406753.1, NM_001406756.1); c.2200G>A, p.Asp734Asn (NM_001406755.1); c.2077G>A, p.Asp693Asn (NM_001406757.1); c.2377G>A, p.Asp793Asn (NM_172056.3); short protein forms D793N, D453N, D697N, D734N, D693N.
Identifiers: ClinVar variation 921995 (VCV000921995.17), dbSNP rs781352799, ClinGen allele CA031773.

ClinVar aggregate classification (germline): Uncertain significance. Review status: criteria provided, multiple submitters, no conflicts (2 of 4 stars). 4 submissions from 4 submitters: Uncertain significance (4). Last evaluated 2025-08-08.

Conditions:
Cardiac arrhythmia. Also called: Cardiac rhythm disease; Arrhythmia. Identifiers: MedGen C0003811, MONDO:0007263, HP:0011675.
Cardiovascular phenotype. Identifiers: MedGen CN230736.
Long QT syndrome (LQTS). Identifiers: MedGen C0023976, MeSH D008133, MONDO:0002442. Disease mechanism: loss of function. Inheritance: Various modes of inheritance.

Allele frequency attached by ClinVar (database versions not stated): TOPMed below 0.00001; ExAC 0.00001; gnomAD exomes 0.00001.
gnomAD v4.1: 4 of 1,372,064 alleles (0.00029%); highest among the groups gnomAD compares: East Asian, 0.0043%; no homozygotes.

Submissions (4):

Ambry Genetics
Classification: Uncertain significance for Cardiovascular phenotype. Last evaluated: 2025-08-08. Review status: criteria provided, single submitter. Criteria: Ambry Variant Classification Scheme 2023. Collection method: clinical testing. Allele origin: germline.
Comment: The p.D793N variant (also known as c.2377G>A), located in coding exon 9 of the KCNH2 gene, results from a G to A substitution at nucleotide position 2377. The aspartic acid at codon 793 is replaced by asparagine, an amino acid with highly similar properties. This amino acid position is highly conserved in available vertebrate species. In addition, the in silico prediction for this alteration is inconclusive. Based on the available evidence, the clinical significance of this variant remains unclear.

Labcorp Genetics (formerly Invitae), Labcorp
Classification: Uncertain significance for Long QT syndrome. Last evaluated: 2025-02-05. Review status: criteria provided, single submitter. Criteria: Invitae Variant Classification Sherloc (09022015). Collection method: clinical testing. Allele origin: germline.
Comment: This sequence change replaces aspartic acid, which is acidic and polar, with asparagine, which is neutral and polar, at codon 793 of the KCNH2 protein (p.Asp793Asn). This variant is present in population databases (rs781352799, gnomAD 0.01%). This variant has not been reported in the literature in individuals affected with KCNH2-related conditions. ClinVar contains an entry for this variant (Variation ID: 921995). An algorithm developed to predict the effect of missense changes on protein structure and function (PolyPhen-2) suggests that this variant is likely to be disruptive. In summary, the available evidence is currently insufficient to determine the role of this variant in disease. Therefore, it has been classified as a Variant of Uncertain Significance.

All of Us Research Program, National Institutes of Health
Classification: Uncertain significance for Long QT syndrome. Last evaluated: 2024-09-23. Review status: criteria provided, single submitter. Criteria: ACMG Guidelines, 2015. Collection method: clinical testing. Allele origin: germline. Inheritance: Autosomal dominant inheritance. Observed: 1 variant allele, 1 heterozygote.
Comment: This missense variant replaces aspartic acid with asparagine at codon 793 of the KCNH2 protein. Computational prediction is inconclusive regarding the impact of this variant on protein structure and function (internally defined REVEL score threshold 0.5 < inconclusive < 0.7, PMID: 27666373). To our knowledge, functional studies have not been reported for this variant. This variant has been reported in 2 individuals affected with long QT syndrome (PMID: 28749187). This variant has been identified in 2/251004 chromosomes in the general population by the Genome Aggregation Database (gnomAD). The available evidence is insufficient to determine the role of this variant in disease conclusively. Therefore, this variant is classified as a Variant of Uncertain Significance.

This study involves interpretation of variants in research participants for the purpose of population health screening. Participant phenotype was not available at the time of variant classification. Additional details can be found in publication PMID: 35346344, PMCID: PMC8962531

Color Diagnostics, LLC DBA Color Health
Classification: Uncertain significance for Cardiac arrhythmia. Last evaluated: 2021-11-24. Review status: criteria provided, single submitter. Criteria: ACMG Guidelines, 2015. Collection method: clinical testing. Allele origin: germline.
Comment: This missense variant replaces aspartic acid with asparagine at codon 793 of the KCNH2 protein. Computational prediction is inconclusive regarding the impact of this variant on protein structure and function (internally defined REVEL score threshold 0.5 < inconclusive < 0.7, PMID: 27666373). To our knowledge, functional studies have not been reported for this variant. This variant has been reported in 2 individuals affected with long QT syndrome (PMID: 28749187). This variant has been identified in 2/251004 chromosomes in the general population by the Genome Aggregation Database (gnomAD). The available evidence is insufficient to determine the role of this variant in disease conclusively. Therefore, this variant is classified as a Variant of Uncertain Significance.

Literature cited by the submitters: PubMed 28749187 (cited by All of Us Research Program, National Institutes of Health and Color Diagnostics, LLC DBA Color Health).